The following is an entry in ClinVar:

ClinVar aggregate classification (germline): Uncertain significance. Review status: criteria provided, multiple submitters, no conflicts (2 of 4 stars). 2 submissions from 2 submitters: Uncertain significance (2). Last evaluated 2025-10-17.

Conditions:
Nemaline myopathy 5 (NEM5A). Also called: NEMALINE MYOPATHY, AMISH TYPE; NEMALINE MYOPATHY 5A, AUTOSOMAL RECESSIVE, SEVERE INFANTILE; Nemaline myopathy 5, Amish type. Identifiers: Orphanet 98902, MedGen C1854380, MONDO:0011539, OMIM 605355.
Inborn genetic diseases. Identifiers: MedGen C0950123, MeSH D030342.

Allele frequency attached by ClinVar (database versions not stated): TOPMed below 0.00001.

Submissions (2):

Ambry Genetics
Classification: Uncertain significance for Inborn genetic diseases. Last evaluated: 2025-10-17. Review status: criteria provided, single submitter. Criteria: Ambry Variant Classification Scheme 2023. Collection method: clinical testing. Allele origin: germline.

Labcorp Genetics (formerly Invitae), Labcorp
Classification: Uncertain significance for Nemaline myopathy 5. Last evaluated: 2022-08-05. Review status: criteria provided, single submitter. Criteria: Invitae Variant Classification Sherloc (09022015). Collection method: clinical testing. Allele origin: germline.
Comment: This variant has not been reported in the literature in individuals affected with TNNT1-related conditions. This variant is present in population databases (rs766633743, gnomAD 0.004%). This sequence change replaces glycine, which is neutral and non-polar, with arginine, which is basic and polar, at codon 267 of the TNNT1 protein (p.Gly267Arg). Algorithms developed to predict the effect of missense changes on protein structure and function are either unavailable or do not agree on the potential impact of this missense change (SIFT: "Deleterious"; PolyPhen-2: "Probably Damaging"; Align-GVGD: "Class C0"). In summary, the available evidence is currently insufficient to determine the role of this variant in disease. Therefore, it has been classified as a Variant of Uncertain Significance.

NM_003283.6(TNNT1):c.799G>C (p.Gly267Arg)

Gene: TNNT1 (troponin T1, slow skeletal type; minus strand). Cytogenetic location: 19q13.42.
Variant type: single nucleotide variant.
Coding change: c.799G>C on transcript NM_003283.6 (MANE Select); coding-DNA position 799, G replaced by C.
Protein change: p.Gly267Arg; replaces glycine 267 with arginine.
Molecular consequence: missense variant.
Genome position (GRCh38, 1-based): chr19:55,132,953, C>G on the plus strand (G>C on the coding strand, the complement: TNNT1 is on the minus strand). VCF-style: chr19-55132953-C-G. GRCh37 (hg19) VCF-style: chr19-55644321-C-G.
Other names: c.751G>C, p.Gly251Arg (NM_001126132.3); c.718G>C, p.Gly240Arg (NM_001126133.3, NM_001291774.2); c.799G>C (NM_003283.4); short protein forms G240R, G251R, G267R.
Identifiers: ClinVar variation 1968314 (VCV001968314.6), dbSNP rs766633743, ClinGen allele CA9667217.